The following is an entry in ClinVar:

ClinVar aggregate classification (germline): Conflicting classifications of pathogenicity. Review status: criteria provided, conflicting classifications (1 of 4 stars). 3 submissions from 3 submitters: Uncertain significance (2); Likely benign (1). Last evaluated 2025-08-11.

Allele frequency attached by ClinVar (database versions not stated): gnomAD exomes below 0.00001; TOPMed 0.00001.
gnomAD v4.1: 41 of 1,613,720 alleles (0.0025%); highest among the groups gnomAD compares: Non-Finnish European, 0.0031%; no homozygotes.

Submissions (3):

Labcorp Genetics (formerly Invitae), Labcorp
Classification: Uncertain significance. Last evaluated: 2025-08-11. Review status: criteria provided, single submitter. Criteria: Invitae Variant Classification Sherloc (09022015). Collection method: clinical testing. Allele origin: germline.
Comment: This sequence change replaces isoleucine, which is neutral and non-polar, with methionine, which is neutral and non-polar, at codon 109 of the ABRAXAS1 protein (p.Ile109Met). This variant is present in population databases (no rsID available, gnomAD 0.0009%). This variant has not been reported in the literature in individuals affected with ABRAXAS1-related conditions. ClinVar contains an entry for this variant (Variation ID: 928537). Invitae Evidence Modeling of protein sequence and biophysical properties (such as structural, functional, and spatial information, amino acid conservation, physicochemical variation, residue mobility, and thermodynamic stability) indicates that this missense variant is not expected to disrupt ABRAXAS1 protein function with a negative predictive value of 80%. In summary, the available evidence is currently insufficient to determine the role of this variant in disease. Therefore, it has been classified as a Variant of Uncertain Significance.

Ambry Genetics
Classification: Likely benign. Last evaluated: 2024-03-25. Review status: criteria provided, single submitter. Criteria: Ambry Variant Classification Scheme 2023. Collection method: clinical testing. Allele origin: germline.

Women's Health and Genetics/Laboratory Corporation of America, LabCorp
Classification: Uncertain significance. Last evaluated: 2019-05-24. Review status: criteria provided, single submitter. Criteria: LabCorp Variant Classification Summary - May 2015. Collection method: clinical testing. Allele origin: germline.
Comment: Variant summary: FAM175A c.327C>G (p.Ile109Met) results in a conservative amino acid change located in the MPN domain of the encoded protein sequence. Four of five in-silico tools predict a benign effect of the variant on protein function. The variant allele was found at a frequency of 4e-06 in 251150 control chromosomes. The available data on variant occurrences in the general population are insufficient to allow any conclusion about variant significance. To our knowledge, no occurrence of c.327C>G in individuals affected with Hereditary Breast and Ovarian Cancer and no experimental evidence demonstrating its impact on protein function have been reported. No clinical diagnostic laboratories have submitted clinical-significance assessments for this variant to ClinVar after 2014. Based on the evidence outlined above, the variant was classified as uncertain significance.

NM_139076.3(ABRAXAS1):c.327C>G (p.Ile109Met)

Gene: ABRAXAS1 (abraxas 1, BRCA1 A complex subunit; minus strand). Cytogenetic location: 4q21.23.
Variant type: single nucleotide variant.
Coding change: c.327C>G on transcript NM_139076.3 (MANE Select); coding-DNA position 327, C replaced by G.
Protein change: p.Ile109Met; replaces isoleucine 109 with methionine.
Molecular consequence: missense variant. On other transcripts: 5 prime UTR variant (1).
Genome position (GRCh38, 1-based): chr4:83,470,352, G>C on the plus strand (C>G on the coding strand, the complement: ABRAXAS1 is on the minus strand). VCF-style: chr4-83470352-G-C. GRCh37 (hg19) VCF-style: chr4-84391505-G-C.
Other names: c.-1C>G (NM_001345962.2); short protein forms I109M.
Identifiers: ClinVar variation 928537 (VCV000928537.11), dbSNP rs924277966, ClinGen allele CA100684806.